The following is an entry in ClinVar:

ClinVar aggregate classification (germline): Likely pathogenic. Review status: criteria provided, multiple submitters, no conflicts (2 of 4 stars). 2 submissions from 2 submitters: Likely pathogenic (2). Last evaluated 2025-05-19.

Conditions:
LIFR-related disorder. Also called: LIFR-related condition.
Stuve-Wiedemann syndrome (STWS). Also called: Stüve-Wiedemann syndrome. Identifiers: Orphanet 3206, MedGen C0796176, MONDO:0031280.

gnomAD v4.1: 2 of 1,586,154 alleles (0.00013%); highest among the groups gnomAD compares: Non-Finnish European, 0.00017%; no homozygotes.

Submissions (2):

Natera, Inc.
Classification: Likely pathogenic for Stuve-Wiedemann syndrome. Last evaluated: 2025-05-19. Review status: criteria provided, single submitter. Criteria: Natera Variant Classification Schema (03/2026). Collection method: clinical testing. Allele origin: germline.
Comment: The c.1667G>A variant in LIFR is a nonsense variant predicted to introduce a stop codon at amino acid 556. This variant is expected to result in nonsense mediated decay, truncation, or a dysfunctional protein product. This variant is rare in the general population with a frequency below the threshold expected for the associated phenotype(s). Given the available evidence, this variant is classified as Likely Pathogenic.

Blueprint Genetics
Classification: Likely pathogenic for LIFR-related disorders. Last evaluated: 2023-11-03. Review status: criteria provided, single submitter. Criteria: ACMG Guidelines, 2015. Collection method: clinical testing. Allele origin: germline. Affected: yes. Observed: 1 variant allele.

NM_001127671.2(LIFR):c.1667G>A (p.Trp556Ter)

Gene: LIFR (LIF receptor subunit alpha; minus strand). Cytogenetic location: 5p13.1.
Variant type: single nucleotide variant.
Coding change: c.1667G>A on transcript NM_001127671.2 (MANE Select); coding-DNA position 1667, G replaced by A.
Protein change: p.Trp556Ter; replaces tryptophan 556 with a stop codon.
Molecular consequence: nonsense.
Genome position (GRCh38, 1-based): chr5:38,499,517, C>T on the plus strand (G>A on the coding strand, the complement: LIFR is on the minus strand). VCF-style: chr5-38499517-C-T. GRCh37 (hg19) VCF-style: chr5-38499619-C-T.
Other names: c.1667G>A, p.Trp556Ter (NM_001364297.2, NM_001364298.2, NM_002310.6); short protein forms W556*.
Identifiers: ClinVar variation 4069868 (VCV004069868.3).